The following is an entry in ClinVar:

NM_015046.7(SETX):c.1204C>T (p.Arg402Cys)

Gene: SETX (senataxin; minus strand). Cytogenetic location: 9q34.13.
Variant type: single nucleotide variant.
Coding change: c.1204C>T on transcript NM_015046.7 (MANE Select); coding-DNA position 1204, C replaced by T.
Protein change: p.Arg402Cys; replaces arginine 402 with cysteine.
Molecular consequence: missense variant.
Genome position (GRCh38, 1-based): chr9:132,330,394, G>A on the plus strand (C>T on the coding strand, the complement: SETX is on the minus strand). VCF-style: chr9-132330394-G-A. GRCh37 (hg19) VCF-style: chr9-135205781-G-A.
Other names: c.1204C>T, p.Arg402Cys (NM_001351527.2, NM_001351528.2); short protein forms R402C.
Identifiers: ClinVar variation 570064 (VCV000570064.13), dbSNP rs772044862, ClinGen allele CA5297813.

ClinVar aggregate classification (germline): Uncertain significance. Review status: criteria provided, multiple submitters, no conflicts (2 of 4 stars). 5 submissions from 4 submitters: Uncertain significance (5). Last evaluated 2023-10-17.

Conditions:
Amyotrophic lateral sclerosis type 4 (ALS4). Also called: NEURONOPATHY, DISTAL HEREDITARY MOTOR, WITH PYRAMIDAL FEATURES; AMYOTROPHIC LATERAL SCLEROSIS 4, JUVENILE. Identifiers: Orphanet 357043, MedGen C1865409, MONDO:0011223, OMIM 602433.
Spinocerebellar ataxia, autosomal recessive, with axonal neuropathy 2 (SCAN2). Also called: Ataxia with Oculomotor Apraxia; Ataxia-ocular apraxia-2; ATAXIA-OCULOMOTOR APRAXIA 2; Ataxia with Oculomotor Apraxia Type 2. Identifiers: Orphanet 64753, MedGen C1853761, MONDO:0018996, OMIM 606002.
Inborn genetic diseases. Identifiers: MedGen C0950123, MeSH D030342.

Allele frequency attached by ClinVar (database versions not stated): ExAC 0.00001; gnomAD exomes 0.00001; TOPMed 0.00002.
gnomAD v4.1: 25 of 1,613,938 alleles (0.0015%); highest among the groups gnomAD compares: Non-Finnish European, 0.0018%; no homozygotes.

Submissions (5):

GeneDx
Classification: Uncertain significance. Last evaluated: 2023-10-17. Review status: criteria provided, single submitter. Criteria: GeneDx Variant Classification Process June 2021. Collection method: clinical testing. Allele origin: germline. Affected: yes.
Comment: Not observed at significant frequency in large population cohorts (gnomAD); In silico analysis supports that this missense variant has a deleterious effect on protein structure/function; Has not been previously published as pathogenic or benign to our knowledge

Labcorp Genetics (formerly Invitae), Labcorp
Classification: Uncertain significance for Amyotrophic lateral sclerosis type 4; Spinocerebellar ataxia, autosomal recessive, with axonal neuropathy 2. Last evaluated: 2023-09-18. Review status: criteria provided, single submitter. Criteria: Invitae Variant Classification Sherloc (09022015). Collection method: clinical testing. Allele origin: germline.
Comment: This variant has not been reported in the literature in individuals affected with SETX-related conditions. This sequence change replaces arginine, which is basic and polar, with cysteine, which is neutral and slightly polar, at codon 402 of the SETX protein (p.Arg402Cys). This variant is present in population databases (rs772044862, gnomAD 0.002%). ClinVar contains an entry for this variant (Variation ID: 570064). Advanced modeling of protein sequence and biophysical properties (such as structural, functional, and spatial information, amino acid conservation, physicochemical variation, residue mobility, and thermodynamic stability) has been performed at Invitae for this missense variant, however the output from this modeling did not meet the statistical confidence thresholds required to predict the impact of this variant on SETX protein function. In summary, the available evidence is currently insufficient to determine the role of this variant in disease. Therefore, it has been classified as a Variant of Uncertain Significance.

Genome-Nilou Lab
Classification: Uncertain significance for Spinocerebellar ataxia, autosomal recessive, with axonal neuropathy 2. Last evaluated: 2023-02-08. Review status: criteria provided, single submitter. Criteria: ACMG Guidelines, 2015. Collection method: clinical testing. Allele origin: germline.

Genome-Nilou Lab
Classification: Uncertain significance for Amyotrophic lateral sclerosis type 4. Last evaluated: 2023-02-08. Review status: criteria provided, single submitter. Criteria: ACMG Guidelines, 2015. Collection method: clinical testing. Allele origin: germline.

Ambry Genetics
Classification: Uncertain significance for Inborn genetic diseases. Last evaluated: 2021-07-27. Review status: criteria provided, single submitter. Criteria: Ambry Variant Classification Scheme 2023. Collection method: clinical testing. Allele origin: germline.